The following is an entry in ClinVar:

ClinVar aggregate classification (germline): Pathogenic. Review status: reviewed by expert panel (3 of 4 stars). 9 submissions from 9 submitters: Pathogenic (1). 8 of the submissions do not count toward it. Last evaluated 2016-09-08.

Conditions:
Hereditary breast ovarian cancer syndrome. Also called: Hereditary breast and ovarian cancer syndrome; Hereditary breast and ovarian cancer; Hereditary breast and ovarian cancer syndrome (HBOC); Breast and ovarian cancer; Hereditary breast and/or ovarian cancer syndrome; BRCA1- and BRCA2-Associated Hereditary Breast and Ovarian Cancer. Identifiers: Orphanet 145, MedGen C0677776, MeSH D061325, MONDO:0003582. Disease mechanism: loss of function.
Hereditary cancer-predisposing syndrome. Also called: Neoplastic Syndromes, Hereditary; Tumor predisposition; Hereditary neoplastic syndrome; Hereditary Cancer Syndrome. Identifiers: Orphanet 140162, MedGen C0027672, MeSH D009386, MONDO:0015356.
Breast-ovarian cancer, familial, susceptibility to, 2 (BROVCA2). Also called: BRCA2 Hereditary Breast and Ovarian Cancer. Identifiers: Orphanet 145, MedGen C2675520, MONDO:0012933, OMIM 612555. Disease mechanism: loss of function.

Submissions (9):

Evidence-based Network for the Interpretation of Germline Mutant Alleles (ENIGMA)
Classification: Pathogenic for Breast-ovarian cancer, familial, susceptibility to, 2. Last evaluated: 2016-09-08. Review status: reviewed by expert panel. Criteria: ENIGMA BRCA1/2 Classification Criteria (2015). Collection method: curation. Allele origin: germline.
Comment: Variant allele predicted to encode a truncated non-functional protein.

Labcorp Genetics (formerly Invitae), Labcorp
Classification: Pathogenic for Hereditary breast ovarian cancer syndrome. Last evaluated: 2025-05-04. Review status: criteria provided, single submitter. Criteria: Invitae Variant Classification Sherloc (09022015). Collection method: clinical testing. Allele origin: germline. Not counted in ClinVar's aggregate classification.
Comment: This sequence change creates a premature translational stop signal (p.Glu3152Glyfs*15) in the BRCA2 gene. It is expected to result in an absent or disrupted protein product. Loss-of-function variants in BRCA2 are known to be pathogenic (PMID: 20104584). This variant is not present in population databases (gnomAD no frequency). This premature translational stop signal has been observed in individual(s) with breast and/or ovarian cancer (PMID: 28888541, 30154229). For these reasons, this variant has been classified as Pathogenic.

Color Diagnostics, LLC DBA Color Health
Classification: Pathogenic for Hereditary cancer-predisposing syndrome. Last evaluated: 2021-10-19. Review status: criteria provided, single submitter. Criteria: ACMG Guidelines, 2015. Collection method: clinical testing. Allele origin: germline. Not counted in ClinVar's aggregate classification.
Comment: This variant deletes 2 nucleotides in exon 25 of the BRCA2 gene, creating a frameshift and premature translation stop signal. This variant is expected to result in an absent or non-functional protein product. This variant has been reported in two individuals affected with breast cancer (PMID: 10923033, 33403015) and has been identified in 2 families among the CIMBA participants (PMID: 29446198, 31209999). This variant has not been identified in the general population by the Genome Aggregation Database (gnomAD). Loss of BRCA2 function is a known mechanism of disease. Based on the available evidence, this variant is classified as Pathogenic.

Institute of Medical Genetics and Applied Genomics, University Hospital Tübingen
Classification: Pathogenic. Last evaluated: 2021-09-15. Review status: criteria provided, single submitter. Criteria: ACMG Guidelines, 2015. Collection method: clinical testing. Allele origin: germline. Inheritance: Autosomal dominant inheritance. Affected: yes. Not counted in ClinVar's aggregate classification.

Ambry Genetics
Classification: Pathogenic for Hereditary cancer-predisposing syndrome. Last evaluated: 2021-03-27. Review status: criteria provided, single submitter. Criteria: Ambry Variant Classification Scheme 2023. Collection method: clinical testing. Allele origin: germline. Not counted in ClinVar's aggregate classification.
Comment: The c.9455_9456delAG pathogenic mutation, located in coding exon 24 of the BRCA2 gene, results from a deletion of two nucleotides at nucleotide positions 9455 to 9456, causing a translational frameshift with a predicted alternate stop codon (p.E3152Gfs*15). This mutation has been identified in several hereditary breast and ovarian cancer (HBOC) families (Pinto P et al. Breast Cancer Res Treat, 2016 Sep;159:245-56; Rebbeck TR et al. Hum Mutat, 2018 05;39:593-620; Capone GL et al. J Mol Diagn, 2018 01;20:87-94; Guindalini RSC et al. Clin Cancer Res, 2019 03;25:1786-1794; Laitman Y et al. Hum Mutat, 2019 11;40:e1-e23; Incorvaia L et al. Ther Adv Med Oncol, 2020 Dec;12:1758835920975326). In addition to the clinical data presented in the literature, this alteration is expected to result in loss of function by premature protein truncation or nonsense-mediated mRNA decay. As such, this alteration is interpreted as a disease-causing mutation.

Consortium of Investigators of Modifiers of BRCA1/2 (CIMBA), c/o University of Cambridge
Classification: Pathogenic for Breast-ovarian cancer, familial, susceptibility to, 2. Last evaluated: 2015-10-02. Review status: criteria provided, single submitter. Criteria: CIMBA Mutation Classification guidelines May 2016. Collection method: clinical testing. Allele origin: germline. Not counted in ClinVar's aggregate classification.

Research Molecular Genetics Laboratory, Women's College Hospital, University of Toronto
Classification: Pathogenic for Hereditary breast ovarian cancer syndrome. Last evaluated: 2014-01-31. Review status: no assertion criteria provided. Collection method: research. Allele origin: germline. Affected: yes. Study: The Canadian Open Genetics Repository (COGR). Not counted in ClinVar's aggregate classification.

Sharing Clinical Reports Project (SCRP)
Classification: Pathogenic for Breast-ovarian cancer, familial 2. Last evaluated: 2012-05-01. Review status: no assertion criteria provided. Collection method: clinical testing. Allele origin: germline. Not counted in ClinVar's aggregate classification.

Breast Cancer Information Core (BIC) (BRCA2)
Classification: Pathogenic for Breast-ovarian cancer, familial 2. Last evaluated: 2002-05-29. Review status: no assertion criteria provided. Collection method: clinical testing. Allele origin: germline. Affected: yes. Observed: 3 variant alleles. Not counted in ClinVar's aggregate classification.

Literature cited by the submitters: PubMed 20104584 (cited by Labcorp Genetics (formerly Invitae), Labcorp); PubMed 28888541 (cited by Labcorp Genetics (formerly Invitae), Labcorp); PubMed 30154229 (cited by Labcorp Genetics (formerly Invitae), Labcorp and Ambry Genetics); PubMed 10923033 (cited by Color Diagnostics, LLC DBA Color Health); PubMed 29446198 (cited by Color Diagnostics, LLC DBA Color Health and Ambry Genetics); PubMed 31209999 (cited by Color Diagnostics, LLC DBA Color Health and Ambry Genetics); PubMed 33403015 (cited by Color Diagnostics, LLC DBA Color Health and Ambry Genetics); PubMed 27553368 (cited by Ambry Genetics); PubMed 29061375 (cited by Ambry Genetics).

NM_000059.4(BRCA2):c.9455_9456del (p.Glu3152fs)

Gene: BRCA2 (BRCA2 DNA repair associated; plus strand). Cytogenetic location: 13q13.1.
Variant type: Microsatellite.
Coding change: c.9455_9456del on transcript NM_000059.4 (MANE Select); coding-DNA positions 9455 to 9456, 2 bases deleted (AG; older notation c.9455_9456delAG).
Protein change: p.Glu3152fs; shifts the reading frame from glutamic acid 3152.
Molecular consequence: frameshift variant.
Genome position (GRCh38, 1-based): chr13:32,394,887-32,394,888, AG deleted; deleting any 2 consecutive bases within chr13:32,394,885-32,394,888 gives the same sequence; the c. name uses the placement nearest the transcript's 3' end. VCF-style (leftmost placement, unchanged base first): chr13-32394884-AAG-A. GRCh37 (hg19) VCF-style: chr13-32969021-AAG-A.
Other names: 9683delAG; c.9455_9456delAG (NM_000059.3); short protein forms E3152fs.
Identifiers: ClinVar variation 52840 (VCV000052840.11), dbSNP rs80359764, ClinGen allele CA026163.